The following is an entry in ClinVar:

ClinVar aggregate classification (germline): Uncertain significance (1 of 4 stars; one submission).

gnomAD v4.1: 1 of 1,210,371 alleles (0.000083%); highest among the groups gnomAD compares: South Asian, 0.0018%; no homozygotes.

Submission:

GeneDx
Classification: Uncertain significance. Last evaluated: 2026-04-20. Review status: criteria provided, single submitter. Criteria: GeneDx Variant Classification Process June 2021. Collection method: clinical testing. Allele origin: germline.
Comment: Not observed at significant frequency in large population cohorts (gnomAD); In silico analysis suggests that this missense variant does not alter protein structure/function; Has not been previously published as pathogenic or benign to our knowledge

NM_181672.3(OGT):c.2686C>T (p.Pro896Ser)

Gene: OGT (O-linked N-acetylglucosamine (GlcNAc) transferase; plus strand). Cytogenetic location: Xq13.1.
Variant type: single nucleotide variant.
Coding change: c.2686C>T on transcript NM_181672.3 (MANE Select); coding-DNA position 2686, C replaced by T.
Protein change: p.Pro896Ser; replaces proline 896 with serine.
Molecular consequence: missense variant.
Genome position (GRCh38, 1-based): chrX:71,567,596, C>T. VCF-style: chrX-71567596-C-T. GRCh37 (hg19) VCF-style: chrX-70787446-C-T.
Other names: c.2656C>T, p.Pro886Ser (NM_181673.3); short protein forms P886S, P896S.
Identifiers: ClinVar variation 5037386 (VCV005037386.1).